The following is an entry in ClinVar:

NM_002576.5(PAK1):c.1116+8C>G

Gene: PAK1 (p21 (RAC1) activated kinase 1; minus strand). Cytogenetic location: 11q13.5.
Variant type: single nucleotide variant.
Coding change: c.1116+8C>G on transcript NM_002576.5 (MANE Select); 8 bases into the intron after coding-DNA position 1116, C replaced by G.
Molecular consequence: intron variant.
Genome position (GRCh38, 1-based): chr11:77,340,638, G>C on the plus strand (C>G on the coding strand, the complement: PAK1 is on the minus strand). VCF-style: chr11-77340638-G-C. GRCh37 (hg19) VCF-style: chr11-77051683-G-C.
Other names: c.822+8C>G (NM_001376304.1, NM_001376305.1, NM_001376302.1); c.1116+8C>G (NM_001376273.1, NM_001376268.1, NM_001376290.1 and 24 more transcripts); c.867+8C>G (NM_001376301.1); c.828+8C>G (NM_001376303.1); c.939+8C>G (NM_001376295.1); c.1137+8C>G (NM_001376272.1); c.1107+8C>G (NM_001376294.1).
Identifiers: ClinVar variation 1282238 (VCV001282238.6), dbSNP rs2725832, ClinGen allele CA6199949.

ClinVar aggregate classification (germline): Benign. Review status: criteria provided, multiple submitters, no conflicts (2 of 4 stars). 4 submissions from 4 submitters: Benign (3). 1 of the submissions does not count toward it. Last evaluated 2021-09-05.

Conditions:
Intellectual developmental disorder with macrocephaly, seizures, and speech delay. Identifiers: MedGen C4748428, MONDO:0032568, OMIM 618158.
PAK1-related disorder. Also called: PAK1-related condition.

Allele frequency attached by ClinVar (database versions not stated): TOPMed 0.23102; gnomAD 0.23664 and 0.24591; 1000 Genomes Project 30x 0.24219; 1000 Genomes Project 0.24421; ESP Exome Variant Server 0.24761; ExAC 0.29665.
gnomAD v4.1: 459,859 of 1,442,560 alleles (32%); highest among the groups gnomAD compares: South Asian, 45%; 78,620 homozygotes.

Submissions (4):

Genome-Nilou Lab
Classification: Benign for Intellectual developmental disorder with macrocephaly, seizures, and speech delay. Last evaluated: 2021-09-05. Review status: criteria provided, single submitter. Criteria: ACMG Guidelines, 2015. Collection method: clinical testing. Allele origin: germline. Affected: no.

GeneDx
Classification: Benign. Last evaluated: 2020-04-16. Review status: criteria provided, single submitter. Criteria: GeneDx Variant Classification Process June 2021. Collection method: clinical testing. Allele origin: germline. Affected: yes.

Breakthrough Genomics
Classification: Benign. Review status: criteria provided, single submitter. Criteria: ACMG Guidelines, 2015. Collection method: not provided. Allele origin: germline. Inheritance: Autosomal dominant inheritance. Affected: yes.

PreventionGenetics, part of Exact Sciences
Classification: Benign for PAK1-related condition. Last evaluated: 2021-03-30. Review status: no assertion criteria provided. Collection method: clinical testing. Allele origin: germline. Not counted in ClinVar's aggregate classification.
Comment: This variant is classified as benign based on ACMG/AMP sequence variant interpretation guidelines (Richards et al. 2015 PMID: 25741868, with internal and published modifications).